The following is an entry in ClinVar:

ClinVar aggregate classification (germline): Pathogenic (1 of 4 stars; one submission).

Conditions:
Meier-Gorlin syndrome 4 (MGORS4). Identifiers: Orphanet 2554, MedGen C3151120, MONDO:0013431, OMIM 613804.

Submission:

Women's Health and Genetics/Laboratory Corporation of America, LabCorp
Classification: Pathogenic for Meier-Gorlin syndrome 4. Last evaluated: 2023-04-26. Review status: criteria provided, single submitter. Criteria: LabCorp Variant Classification Summary - May 2015. Collection method: clinical testing. Allele origin: germline.
Comment: Variant summary: CDT1 c.166_167delinsA (p.Ala56ThrfsX43) results in a premature termination codon, predicted to cause a truncation of the encoded protein or absence of the protein due to nonsense mediated decay, which are commonly known mechanisms for disease. Variants downstream of this position have been classified as pathogenic in databases (HGMD, ClinVar). The variant was absent in 30696 control chromosomes. To our knowledge, no occurrence of c.166_167delinsA in individuals affected with Meier-Gorlin Syndrome 4 and no experimental evidence demonstrating its impact on protein function have been reported. No clinical diagnostic laboratories have submitted clinical-significance assessments for this variant to ClinVar after 2014. Based on the evidence outlined above, the variant was classified as pathogenic.

NM_030928.4(CDT1):c.166_167delinsA (p.Ala56fs)

Gene: CDT1 (chromatin licensing and DNA replication factor 1; plus strand). Cytogenetic location: 16q24.3.
Variant type: Indel.
Coding change: c.166_167delinsA on transcript NM_030928.4 (MANE Select); coding-DNA positions 166 to 167, GC replaced by A.
Protein change: p.Ala56fs; shifts the reading frame from alanine 56.
Molecular consequence: frameshift variant.
Genome position (GRCh38, 1-based): chr16:88,803,997-88,803,998, GC replaced by A. VCF-style: chr16-88803997-GC-A. GRCh37 (hg19) VCF-style: chr16-88870405-GC-A.
Other names: c.166_167delinsA (NM_030928.3); short protein forms A56fs.
Identifiers: ClinVar variation 2503832 (VCV002503832.1), dbSNP rs2508193346, ClinGen allele CA2580613919.